The following is an entry in ClinVar:

ClinVar aggregate classification (germline): Pathogenic. Review status: criteria provided, multiple submitters, no conflicts (2 of 4 stars). 3 submissions from 3 submitters: Pathogenic (3). Last evaluated 2026-06-18.

Conditions:
Hereditary cancer-predisposing syndrome. Also called: Tumor predisposition; Neoplastic Syndromes, Hereditary; Hereditary Cancer Syndrome; Hereditary neoplastic syndrome. Identifiers: Orphanet 140162, MedGen C0027672, MeSH D009386, MONDO:0015356.
Multiple endocrine neoplasia, type 1 (MEN1). Also called: Endocrine adenomatosis multiple; MEN 1; MEN I; WERMER SYNDROME; MEA I. Identifiers: Orphanet 652, MedGen C0025267, MeSH D018761, MONDO:0007540, OMIM 131100.

Submissions (3):

Ambry Genetics
Classification: Pathogenic for Hereditary cancer-predisposing syndrome. Last evaluated: 2026-06-18. Review status: criteria provided, single submitter. Criteria: Ambry Variant Classification Scheme 2023. Collection method: clinical testing. Allele origin: germline.
Comment: The p.R108* pathogenic mutation (also known as c.322C>T), located in coding exon 1 of the MEN1 gene, results from a C to T substitution at nucleotide position 322. This changes the amino acid from an arginine to a stop codon within coding exon 1. This mutation has been detected in numerous families with multiple endocrine neoplasia type 1 (MEN1) (Lemmens I et al. Hum Mol Genet. 1997;6(7):1177-83, Giraud S et al. Am. J. Hum. Genet., 1998 Aug;63:455-67; Jakobovitz-Picard O et al. Hum. Mutat., 2000 Sep;16:269; Wautot V et al. Hum. Mutat., 2002 Jul;20:35-47; Cardinal JW et al. J Med Genet. 2005;42(1);69-74, Jiang XH et al. Endocr Relat Cancer. 2007;14(4):1073-9). This variant is considered to be rare based on population cohorts in the Genome Aggregation Database (gnomAD). This variant is expected to result in loss of function by premature protein truncation or nonsense-mediated mRNA decay. As such, this variant is interpreted as a disease-causing mutation.

Labcorp Genetics (formerly Invitae), Labcorp
Classification: Pathogenic for Multiple endocrine neoplasia, type 1. Last evaluated: 2024-07-26. Review status: criteria provided, single submitter. Criteria: Invitae Variant Classification Sherloc (09022015). Collection method: clinical testing. Allele origin: germline.
Comment: This sequence change creates a premature translational stop signal (p.Arg108*) in the MEN1 gene. It is expected to result in an absent or disrupted protein product. Loss-of-function variants in MEN1 are known to be pathogenic (PMID: 12112656, 17853334). This variant is not present in population databases (gnomAD no frequency). This premature translational stop signal has been observed in individual(s) with multiple endocrine neoplasia type 1 (PMID: 9215690, 17853334, 22470073). ClinVar contains an entry for this variant (Variation ID: 201006). For these reasons, this variant has been classified as Pathogenic.

GeneDx
Classification: Pathogenic. Last evaluated: 2021-03-25. Review status: criteria provided, single submitter. Criteria: GeneDx Variant Classification Process June 2021. Collection method: clinical testing. Allele origin: germline. Affected: yes.
Comment: Nonsense variant predicted to result in protein truncation or nonsense mediated decay in a gene for which loss-of-function is a known mechanism of disease; Not observed in large population cohorts (Lek et al., 2016); This variant is associated with the following publications: (PMID: 25525159, 14713256, 10374130, 9683585, 9215690, 25527055, 12112656, 11524904, 11034102, 10980535, 18045958, 20660572, 12746426, 9920064, 9241276)

Literature cited by the submitters: PubMed 10980535 (cited by Ambry Genetics); PubMed 12112656 (cited by Ambry Genetics and Labcorp Genetics (formerly Invitae), Labcorp); PubMed 18045958 (cited by Ambry Genetics); PubMed 25525159 (cited by Ambry Genetics); PubMed 9215690 (cited by Ambry Genetics and Labcorp Genetics (formerly Invitae), Labcorp); PubMed 9683585 (cited by Ambry Genetics); PubMed 17853334 (cited by Labcorp Genetics (formerly Invitae), Labcorp); PubMed 22470073 (cited by Labcorp Genetics (formerly Invitae), Labcorp).

NM_001370259.2(MEN1):c.322C>T (p.Arg108Ter)

Gene: MEN1 (menin 1; minus strand). Cytogenetic location: 11q13.1.
Variant type: single nucleotide variant.
Coding change: c.322C>T on transcript NM_001370259.2 (MANE Select); coding-DNA position 322, C replaced by T.
Protein change: p.Arg108Ter; replaces arginine 108 with a stop codon.
Molecular consequence: nonsense.
Genome position (GRCh38, 1-based): chr11:64,809,788, G>A on the plus strand (C>T on the coding strand, the complement: MEN1 is on the minus strand). VCF-style: chr11-64809788-G-A. GRCh37 (hg19) VCF-style: chr11-64577260-G-A.
Other names: p.R108*:CGA>TGA; c.322C>T, p.Arg108Ter (NM_000244.4, NM_001370251.2, NM_001370260.2 and 9 more transcripts); short protein forms R108*.
Identifiers: ClinVar variation 201006 (VCV000201006.16), dbSNP rs794728647, ClinGen allele CA009370.
Genomic context (GRCh38, chr11:64,809,788, plus strand): 5'-TGTTCCATATGACATCGGAGACCTTCTTCACCAGCTCACGGCTGGAGACACCCCCTTCTC[G>A]AGGATAGAGGGACAGGTCGACGGCGCCTCGGATCTGGGCGGTGAAGCGGGCATAGAGGGC-3'